The following is an entry in ClinVar:

ClinVar aggregate classification (germline): Pathogenic (1 of 4 stars; one submission).

Conditions:
Juvenile polyposis syndrome (JPS). Identifiers: Orphanet 2929, MedGen C0345893, MONDO:0017380, OMIM 174900.

Submission:

Labcorp Genetics (formerly Invitae), Labcorp
Classification: Pathogenic for Juvenile polyposis syndrome. Last evaluated: 2022-09-09. Review status: criteria provided, single submitter. Criteria: Invitae Variant Classification Sherloc (09022015). Collection method: clinical testing. Allele origin: germline.
Comment: This sequence change creates a premature translational stop signal (p.Ile490Metfs*14) in the SMAD4 gene. While this is not anticipated to result in nonsense mediated decay, it is expected to disrupt the last 63 amino acid(s) of the SMAD4 protein. This variant is not present in population databases (gnomAD no frequency). For these reasons, this variant has been classified as Pathogenic. This variant disrupts a region of the SMAD4 protein in which other variant(s) (p.Glu538*) have been determined to be pathogenic (Invitae). This suggests that this is a clinically significant region of the protein, and that variants that disrupt it are likely to be disease-causing. This variant has not been reported in the literature in individuals affected with SMAD4-related conditions.

NM_005359.6(SMAD4):c.1470del (p.Ile490fs)

Gene: SMAD4 (SMAD family member 4; plus strand). Cytogenetic location: 18q21.2.
Variant type: Deletion.
Coding change: c.1470del on transcript NM_005359.6 (MANE Select); coding-DNA position 1470, one base deleted (T; older notation c.1470delT).
Protein change: p.Ile490fs; shifts the reading frame from isoleucine 490.
Molecular consequence: frameshift variant.
Genome position (GRCh38, 1-based): chr18:51,078,278, T deleted; the last of 2 consecutive T bases (chr18:51,078,277-51,078,278); deleting either gives the same sequence. VCF-style (leftmost placement, unchanged base first): chr18-51078276-AT-A. GRCh37 (hg19) VCF-style: chr18-48604646-AT-A.
Other names: c.1470delT, p.Ile490Metfs (NM_001407041.1, NM_001407042.1); short protein forms I490fs.
Identifiers: ClinVar variation 2015826 (VCV002015826.4), dbSNP rs2511391107, ClinGen allele CA2580095848.